The following is an entry in ClinVar:

ClinVar aggregate classification (germline): Uncertain significance (0 of 4 stars; one submission).

Conditions:
PCNT-related disorder. Also called: PCNT-related condition.

gnomAD v4.1: 5 of 1,613,994 alleles (0.00031%); highest among the groups gnomAD compares: Admixed American, 0.0017%; no homozygotes.

Submission:

PreventionGenetics, part of Exact Sciences
Classification: Uncertain significance for PCNT-related condition. Last evaluated: 2024-01-05. Review status: no assertion criteria provided. Collection method: clinical testing. Allele origin: germline.
Comment: The PCNT c.8602C>T variant is predicted to result in the amino acid substitution p.Pro2868Ser. To our knowledge, this variant has not been reported in the literature. This variant is not present in gnomAD, indicating it is rare. At this time, the clinical significance of this variant is uncertain due to the absence of conclusive functional and genetic evidence.

NM_006031.6(PCNT):c.8602C>T (p.Pro2868Ser)

Gene: PCNT (pericentrin; plus strand). Cytogenetic location: 21q22.3.
Variant type: single nucleotide variant.
Coding change: c.8602C>T on transcript NM_006031.6 (MANE Select); coding-DNA position 8602, C replaced by T.
Protein change: p.Pro2868Ser; replaces proline 2868 with serine.
Molecular consequence: missense variant. On other transcripts: intron variant (1).
Genome position (GRCh38, 1-based): chr21:46,432,066, C>T. VCF-style: chr21-46432066-C-T. GRCh37 (hg19) VCF-style: chr21-47851980-C-T.
Other names: c.8160+88C>T (NM_001315529.2); short protein forms P2868S.
Identifiers: ClinVar variation 3353491 (VCV003353491.1).